The following is an entry in ClinVar:

NM_000388.4(CASR):c.2884T>C (p.Cys962Arg)

Gene: CASR (calcium sensing receptor; plus strand). Cytogenetic location: 3q21.1.
Variant type: single nucleotide variant.
Coding change: c.2884T>C on transcript NM_000388.4 (MANE Select); coding-DNA position 2884, T replaced by C.
Protein change: p.Cys962Arg; replaces cysteine 962 with arginine.
Molecular consequence: missense variant.
Genome position (GRCh38, 1-based): chr3:122,284,838, T>C. VCF-style: chr3-122284838-T-C. GRCh37 (hg19) VCF-style: chr3-122003685-T-C.
Other names: c.2914T>C, p.Cys972Arg (NM_001178065.2); short protein forms C962R, C972R.
Identifiers: ClinVar variation 1413859 (VCV001413859.6), dbSNP rs758172766, ClinGen allele CA2569884.
Genomic context (GRCh38, chr3:122,284,838, plus strand): 5'-GAGCAGCAGCAGCAGCCCCTGACCCTCCCACAGCAGCAACGATCTCAGCAGCAGCCCAGA[T>C]GCAAGCAGAAGGTCATCTTTGGCAGCGGCACGGTCACCTTCTCACTGAGCTTTGATGAGC-3'
Protein context (NP_000379.3, residues 952-972): QQQRSQQQPR[Cys962Arg]KQKVIFGSGT

ClinVar aggregate classification (germline): Uncertain significance (1 of 4 stars; one submission).

Conditions:
Autosomal dominant hypocalcemia 1 (HYPOC1). Also called: HYPOCALCEMIA, FAMILIAL. Identifiers: MedGen C3715128, MONDO:0011013, OMIM 601198.
Familial hypocalciuric hypercalcemia (FHH). Also called: Familial benign hypercalcemia. Identifiers: Orphanet 405, MedGen C1809471, MONDO:0018458.

Allele frequency attached by ClinVar (database versions not stated): gnomAD exomes below 0.00001; TOPMed below 0.00001; ExAC 0.00001; gnomAD 0.00001.
gnomAD v4.1: 2 of 1,614,040 alleles (0.00012%); highest among the groups gnomAD compares: Admixed American, 0.0017%; no homozygotes.

Submission:

Labcorp Genetics (formerly Invitae), Labcorp
Classification: Uncertain significance for Familial hypocalciuric hypercalcemia; Autosomal dominant hypocalcemia 1. Last evaluated: 2021-11-17. Review status: criteria provided, single submitter. Criteria: Invitae Variant Classification Sherloc (09022015). Collection method: clinical testing. Allele origin: germline.
Comment: In summary, the available evidence is currently insufficient to determine the role of this variant in disease. Therefore, it has been classified as a Variant of Uncertain Significance. Algorithms developed to predict the effect of missense changes on protein structure and function are either unavailable or do not agree on the potential impact of this missense change (SIFT: "Deleterious"; PolyPhen-2: "Benign"; Align-GVGD: "Class C0"). This variant has not been reported in the literature in individuals affected with CASR-related conditions. This variant is present in population databases (rs758172766, gnomAD 0.003%). This sequence change replaces cysteine, which is neutral and slightly polar, with arginine, which is basic and polar, at codon 962 of the CASR protein (p.Cys962Arg).